The following is an entry in ClinVar:

NM_015175.3(NBEAL2):c.4704C>T (p.Asn1568=)

Gene: NBEAL2 (neurobeachin like 2; plus strand). Cytogenetic location: 3p21.31.
Variant type: single nucleotide variant.
Coding change: c.4704C>T on transcript NM_015175.3 (MANE Select); coding-DNA position 4704, C replaced by T.
Protein change: p.Asn1568=; no amino-acid change (asparagine 1568 retained).
Molecular consequence: synonymous variant.
Genome position (GRCh38, 1-based): chr3:47,001,748, C>T. VCF-style: chr3-47001748-C-T. GRCh37 (hg19) VCF-style: chr3-47043238-C-T.
Other names: p.Asn1568=; c.4602C>T, p.Asn1534= (NM_001365116.2).
Identifiers: ClinVar variation 260580 (VCV000260580.11), dbSNP rs12489851, ClinGen allele CA2361321.
Genomic context (GRCh38, chr3:47,001,748, plus strand): 5'-GCTCTTTGAAGGTGTATGCAGCCTACTTGATCGCCTGGGAGCCTGGCCCCACCTGGCCAA[C>T]GGCACAGCTGATCTCCGTGAGATGGCGCAGATTGGCCTACGGCTTGTACTTGGCTACATC-3'
Protein context (NP_055990.1, residues 1558-1578): DRLGAWPHLA[Asn1568=]GTADLREMAQ

ClinVar aggregate classification (germline): Benign/Likely benign. Review status: criteria provided, multiple submitters, no conflicts (2 of 4 stars). 7 submissions from 7 submitters: Benign (6); Likely benign (1). Last evaluated 2026-01-31.

Conditions:
Gray platelet syndrome (GPS). Also called: BLEEDING DISORDER, PLATELET-TYPE, 4. Identifiers: Orphanet 721, MedGen C0272302, MONDO:0007686, OMIM 139090.

Allele frequency attached by ClinVar (database versions not stated): ESP Exome Variant Server 0.01557; gnomAD 0.02789 and 0.03060; TOPMed 0.03967; 1000 Genomes Project 30x 0.05309; ExAC 0.05415; 1000 Genomes Project 0.05551; gnomAD exomes 0.06123.
gnomAD v4.1: 45,992 of 1,613,894 alleles (2.8%); highest among the groups gnomAD compares: Admixed American, 19%; 2,181 homozygotes.

Submissions (7):

Labcorp Genetics (formerly Invitae), Labcorp
Classification: Benign. Last evaluated: 2026-01-31. Review status: criteria provided, single submitter. Criteria: Invitae Variant Classification Sherloc (09022015). Collection method: clinical testing. Allele origin: germline.

Blueprint Genetics
Classification: Likely benign. Last evaluated: 2024-11-26. Review status: criteria provided, single submitter. Criteria: ACMG Guidelines, 2015. Collection method: clinical testing. Allele origin: germline.

Mayo Clinic Laboratories, Mayo Clinic
Classification: Benign. Last evaluated: 2022-09-29. Review status: criteria provided, single submitter. Criteria: ACMG Guidelines, 2015. Collection method: clinical testing. Allele origin: germline. Observed: 42 variant alleles.

GeneDx
Classification: Benign. Last evaluated: 2021-06-09. Review status: criteria provided, single submitter. Criteria: GeneDx Variant Classification Process June 2021. Collection method: clinical testing. Allele origin: germline. Affected: yes.

Illumina Laboratory Services, Illumina
Classification: Benign for Gray platelet syndrome. Last evaluated: 2018-01-12. Review status: criteria provided, single submitter. Criteria: ICSL Variant Classification Criteria 13 December 2019. Collection method: clinical testing. Allele origin: germline.
Comment: This variant was observed in the ICSL laboratory as part of a predisposition screen in an ostensibly healthy population. It had not been previously curated by ICSL or reported in the Human Gene Mutation Database (HGMD: prior to June 1st, 2018), and was therefore a candidate for classification through an automated scoring system. Utilizing variant allele frequency, disease prevalence and penetrance estimates, and inheritance mode, an automated score was calculated to assess if this variant is too frequent to cause the disease. Based on the score and internal cut-off values, a variant classified as benign is not then subjected to further curation. The score for this variant resulted in a classification of benign for this disease.

Breakthrough Genomics
Classification: Benign. Review status: criteria provided, single submitter. Criteria: ACMG Guidelines, 2015. Collection method: not provided. Allele origin: germline. Inheritance: Autosomal recessive inheritance. Affected: yes.

PreventionGenetics, part of Exact Sciences
Classification: Benign. Review status: criteria provided, single submitter. Criteria: ACMG Guidelines, 2015. Collection method: clinical testing. Allele origin: germline.